The following is an entry in ClinVar:

NM_000038.6(APC):c.2926del (p.Arg976fs)

Gene: APC (APC regulator of Wnt signaling pathway; plus strand). Cytogenetic location: 5q22.2.
Variant type: Deletion.
Coding change: c.2926del on transcript NM_000038.6 (MANE Select); coding-DNA position 2926, one base deleted (A; older notation c.2926delA).
Protein change: p.Arg976fs; shifts the reading frame from arginine 976.
Molecular consequence: frameshift variant.
Genome position (GRCh38, 1-based): chr5:112,838,520, A deleted; the last of 4 consecutive A bases (chr5:112,838,517-112,838,520); deleting any one gives the same sequence. VCF-style (leftmost placement, unchanged base first): chr5-112838516-TA-T. GRCh37 (hg19) VCF-style: chr5-112174213-TA-T.
Other names: c.2926del, p.Arg976fs (NM_001127510.3, NM_001354895.2); c.2872del, p.Arg958fs (NM_001127511.3); c.2980del, p.Arg994fs (NM_001354896.2); c.2956del, p.Arg986fs (NM_001354897.2); c.2851del, p.Arg951fs (NM_001354898.2); c.2842del, p.Arg948fs (NM_001354899.2); c.2803del, p.Arg935fs (NM_001354900.2); c.2749del, p.Arg917fs (NM_001354901.2); and 5 more; short protein forms R958fs, R994fs, R875fs, R885fs, R935fs, R976fs, R917fs, R951fs.
Identifiers: ClinVar variation 841361 (VCV000841361.12), dbSNP rs1554084587, ClinGen allele CA645562872.

ClinVar aggregate classification (germline): Pathogenic. Review status: criteria provided, multiple submitters, no conflicts (2 of 4 stars). 2 submissions from 2 submitters: Pathogenic (2). Last evaluated 2023-05-05.

Conditions:
Familial adenomatous polyposis 1 (FAP1). Also called: FAMILIAL ADENOMATOUS POLYPOSIS 1, ATTENUATED; POLYPOSIS, ADENOMATOUS INTESTINAL. Identifiers: MedGen C2713442, MONDO:0021056, OMIM 175100. Disease mechanism: loss of function.

Submissions (2):

Myriad Genetics, Inc.
Classification: Pathogenic for Familial adenomatous polyposis 1. Last evaluated: 2023-05-05. Review status: criteria provided, single submitter. Criteria: Myriad Autosomal Dominant, Autosomal Recessive and X-Linked Classification Criteria (2023). Collection method: clinical testing. Allele origin: unknown.
Comment: This variant is considered pathogenic. This variant creates a frameshift predicted to result in premature protein truncation.

Labcorp Genetics (formerly Invitae), Labcorp
Classification: Pathogenic for Familial adenomatous polyposis 1. Last evaluated: 2019-04-07. Review status: criteria provided, single submitter. Criteria: Invitae Variant Classification Sherloc (09022015). Collection method: clinical testing. Allele origin: germline.
Comment: This variant has been observed in an individual affected with familial adenomatous polyposis (PMID: 11247896). This variant is not present in population databases (ExAC no frequency). This sequence change results in a premature translational stop signal in the APC gene (p.Arg976Glufs*4). While this is not anticipated to result in nonsense mediated decay, it is expected to disrupt the last 1868 amino acids of the APC protein. This variant is expected to disrupt the EB1 and HDLG binding sites, which mediate interactions with the cytoskeleton (PMID: 15311282, 17293347). While functional studies have not been performed to directly test the effect on APC protein function, this suggests that disruption of the C-terminal portion of the protein is functionally important. A different truncation (p.Tyr2645Lysfs*14) that lies downstream of this variant has been determined to be pathogenic (PMID: 9824584, 1316610, 27081525, 8381579, 22135120, Invitae). This suggests that deletion of this region of the APC protein is causative of disease. For these reasons, this variant has been classified as Pathogenic.

Literature cited by the submitters: PubMed 11247896 (cited by Labcorp Genetics (formerly Invitae), Labcorp); PubMed 15311282 (cited by Labcorp Genetics (formerly Invitae), Labcorp); PubMed 17293347 (cited by Labcorp Genetics (formerly Invitae), Labcorp); PubMed 9824584 (cited by Labcorp Genetics (formerly Invitae), Labcorp); PubMed 1316610 (cited by Labcorp Genetics (formerly Invitae), Labcorp); PubMed 27081525 (cited by Labcorp Genetics (formerly Invitae), Labcorp); PubMed 8381579 (cited by Labcorp Genetics (formerly Invitae), Labcorp); PubMed 22135120 (cited by Labcorp Genetics (formerly Invitae), Labcorp).